The following is an entry in ClinVar:

ClinVar aggregate classification (germline): Pathogenic (1 of 4 stars; one submission).

Conditions:
Nemaline myopathy 2 (NEM2). Also called: Nemaline myopathy 2, autosomal recessive. Identifiers: MedGen C1850569, MONDO:0009725, OMIM 256030.

Submission:

Labcorp Genetics (formerly Invitae), Labcorp
Classification: Pathogenic for Nemaline myopathy 2. Last evaluated: 2021-09-29. Review status: criteria provided, single submitter. Criteria: Invitae Variant Classification Sherloc (09022015). Collection method: clinical testing. Allele origin: germline.
Comment: This variant occurs in a region of NEB (Exons 82-105) consisting of three highly homologous 8-exon repeat units (exons 82-89, exons 90-97, exons 98-105). Sequence variants in this region can be detected, but this assay cannot determine which of the three repeat units is affected, and zygosity is often ambiguous. All variants in this region are reported relative to the exon 82-89 repeat. For these reasons, this variant has been classified as Pathogenic. This variant has not been reported in the literature in individuals affected with NEB-related conditions. The frequency data for this variant in the population databases (ExAC) is considered unreliable due to the presence of homologous sequence, such as pseudogenes or paralogs, in the genome. This sequence change creates a premature translational stop signal (p.Arg4531Serfs*54) in the NEB gene. It is expected to result in an absent or disrupted protein product. Loss-of-function variants in NEB are known to be pathogenic (PMID: 25205138).

Literature cited by the submitters: PubMed 25205138.

NM_001164508.2(NEB):c.13593del (p.Arg4531fs)

Gene: NEB (nebulin; minus strand). Cytogenetic location: 2q23.3.
Variant type: Deletion.
Coding change: c.13593del on transcript NM_001164508.2 (MANE Select); coding-DNA position 13593, one base deleted (G; older notation c.13593delG).
Protein change: p.Arg4531fs; shifts the reading frame from arginine 4531.
Molecular consequence: frameshift variant. On other transcripts: intron variant (1).
Genome position (GRCh38, 1-based): chr2:151,600,637, C deleted on the plus strand (G on the coding strand, the reverse complement: NEB is on the minus strand); the first of 2 consecutive C bases (chr2:151,600,637-151,600,638); deleting either gives the same sequence. VCF-style (leftmost placement, unchanged base first): chr2-151600636-GC-G. GRCh37 (hg19) VCF-style: chr2-152457150-GC-G.
Other names: c.13593del, p.Arg4531fs (NM_001164507.2, NM_001271208.2); c.11601+9172del (NM_004543.5); short protein forms R4531fs.
Identifiers: ClinVar variation 1368566 (VCV001368566.6), dbSNP rs2153903290, ClinGen allele CA2573133377.